The following is an entry in ClinVar:

ClinVar aggregate classification (germline): Uncertain significance (1 of 4 stars; one submission).

Allele frequency attached by ClinVar (database versions not stated): gnomAD exomes below 0.00001.
gnomAD v4.1: 1 of 1,553,982 alleles (0.000064%); highest among the groups gnomAD compares: Non-Finnish European, 0.000087%; no homozygotes.

Submission:

GeneDx
Classification: Uncertain significance. Last evaluated: 2022-06-24. Review status: criteria provided, single submitter. Criteria: GeneDx Variant Classification Process June 2021. Collection method: clinical testing. Allele origin: germline. Affected: yes.
Comment: Not observed at significant frequency in large population cohorts (gnomAD); In silico analysis supports that this missense variant does not alter protein structure/function; Has not been previously published as pathogenic or benign to our knowledge; Variants in candidate genes are classified as variants of uncertain significance in accordance with ACMG guidelines (Richards et al., 2015)

NM_015057.5(MYCBP2):c.347A>G (p.Lys116Arg)

Gene: MYCBP2 (MYC binding protein 2; minus strand). Cytogenetic location: 13q22.3.
Variant type: single nucleotide variant.
Coding change: c.347A>G on transcript NM_015057.5 (MANE Select); coding-DNA position 347, A replaced by G.
Protein change: p.Lys116Arg; replaces lysine 116 with arginine.
Molecular consequence: missense variant.
Genome position (GRCh38, 1-based): chr13:77,296,630, T>C on the plus strand (A>G on the coding strand, the complement: MYCBP2 is on the minus strand). VCF-style: chr13-77296630-T-C. GRCh37 (hg19) VCF-style: chr13-77870765-T-C.
Other names: short protein forms K116R.
Identifiers: ClinVar variation 1806778 (VCV001806778.1), dbSNP rs768441476, ClinGen allele CA252235462.